The following is an entry in ClinVar:

ClinVar aggregate classification (germline): Uncertain significance. Review status: criteria provided, multiple submitters, no conflicts (2 of 4 stars). 2 submissions from 2 submitters: Uncertain significance (2). Last evaluated 2026-06-15.

Conditions:
Mosaic variegated aneuploidy syndrome 1 (MVA1). Also called: Warburton-Anyane-Yeboa syndrome. Identifiers: Orphanet 1052, MedGen C1850343, MONDO:0009759, OMIM 257300.
Inborn genetic diseases. Identifiers: MedGen C0950123, MeSH D030342.

Submissions (2):

Ambry Genetics
Classification: Uncertain significance for Inborn genetic diseases. Last evaluated: 2026-06-15. Review status: criteria provided, single submitter. Criteria: Ambry Variant Classification Scheme 2023. Collection method: clinical testing. Allele origin: germline.
Comment: The p.S688T variant (also known as c.2062T>A), located in coding exon 16 of the BUB1B gene, results from a T to A substitution at nucleotide position 2062. The serine at codon 688 is replaced by threonine, an amino acid with similar properties. This amino acid position is conserved. In addition, this alteration is predicted to be tolerated by in silico analysis. Based on the available evidence, the clinical significance of this variant remains unclear.

Labcorp Genetics (formerly Invitae), Labcorp
Classification: Uncertain significance for Mosaic variegated aneuploidy syndrome 1. Last evaluated: 2019-09-11. Review status: criteria provided, single submitter. Criteria: Invitae Variant Classification Sherloc (09022015). Collection method: clinical testing. Allele origin: germline.
Comment: This sequence change replaces serine with threonine at codon 688 of the BUB1B protein (p.Ser688Thr). The serine residue is moderately conserved and there is a small physicochemical difference between serine and threonine. This variant has not been reported in the literature in individuals with BUB1B-related conditions. This variant is not present in population databases (ExAC no frequency). Algorithms developed to predict the effect of missense changes on protein structure and function are either unavailable or do not agree on the potential impact of this missense change (SIFT: "Tolerated"; PolyPhen-2: "Probably Damaging"; Align-GVGD: "Class C0"). In summary, the available evidence is currently insufficient to determine the role of this variant in disease. Therefore, it has been classified as a Variant of Uncertain Significance.

NM_001211.6(BUB1B):c.2062T>A (p.Ser688Thr)

Gene: BUB1B (BUB1 mitotic checkpoint serine/threonine kinase B; plus strand). Cytogenetic location: 15q15.1.
Variant type: single nucleotide variant.
Coding change: c.2062T>A on transcript NM_001211.6 (MANE Select); coding-DNA position 2062, T replaced by A.
Protein change: p.Ser688Thr; replaces serine 688 with threonine.
Molecular consequence: missense variant.
Genome position (GRCh38, 1-based): chr15:40,208,689, T>A. VCF-style: chr15-40208689-T-A. GRCh37 (hg19) VCF-style: chr15-40500890-T-A.
Other names: short protein forms S688T.
Identifiers: ClinVar variation 956031 (VCV000956031.13), dbSNP rs2037668271, ClinGen allele CA391693511.
Genomic context (GRCh38, chr15:40,208,689, plus strand): 5'-TCTTTTAGCCCAATTATTGAAGACAGTCGTGAAGCCACACACTCCTCTGGCTTCTCTGGT[T>A]CTTCTGCCTCGGTTGCAAGCACCTCCTCCATCAAATGTCTTCAAATTCCTGAGAAACTAG-3'
Protein context (NP_001202.5, residues 678-698): EATHSSGFSG[Ser688Thr]SASVASTSSI